The following is an entry in ClinVar:

NM_001606.5(ABCA2):c.2598C>T (p.Phe866=)

Gene: ABCA2 (ATP binding cassette subfamily A member 2; minus strand). Cytogenetic location: 9q34.3.
Variant type: single nucleotide variant.
Coding change: c.2598C>T on transcript NM_001606.5 (MANE Select); coding-DNA position 2598, C replaced by T.
Protein change: p.Phe866=; no amino-acid change (phenylalanine 866 retained).
Molecular consequence: synonymous variant.
Genome position (GRCh38, 1-based): chr9:137,017,080, G>A on the plus strand (C>T on the coding strand, the complement: ABCA2 is on the minus strand). VCF-style: chr9-137017080-G-A. GRCh37 (hg19) VCF-style: chr9-139911532-G-A.
Other names: c.2688C>T, p.Phe896= (NM_212533.3).
Identifiers: ClinVar variation 714307 (VCV000714307.29), dbSNP rs200448796, ClinGen allele CA5355028.

ClinVar aggregate classification (germline): Likely benign. Review status: criteria provided, multiple submitters, no conflicts (2 of 4 stars). 4 submissions from 4 submitters: Likely benign (4). Last evaluated 2024-11-04.

Allele frequency attached by ClinVar (database versions not stated): 1000 Genomes Project 30x 0.00031; 1000 Genomes Project 0.00040; gnomAD exomes 0.00043 and 0.00069; ExAC 0.00046; gnomAD 0.00052 and 0.00056; TOPMed 0.00070; ESP Exome Variant Server 0.00121.

Submissions (4):

Blueprint Genetics
Classification: Likely benign. Last evaluated: 2024-11-04. Review status: criteria provided, single submitter. Criteria: ACMG Guidelines, 2015. Collection method: clinical testing. Allele origin: germline.

CeGaT Center for Human Genetics Tuebingen
Classification: Likely benign. Last evaluated: 2024-07-01. Review status: criteria provided, single submitter. Criteria: CeGaT Center For Human Genetics Tuebingen Variant Classification Criteria Version 2. Collection method: clinical testing. Allele origin: germline. Affected: yes. Observed: 2 variant alleles.
Comment: ABCA2: BP4, BP7

Labcorp Genetics (formerly Invitae), Labcorp
Classification: Likely benign. Last evaluated: 2018-09-12. Review status: criteria provided, single submitter. Criteria: Invitae Variant Classification Sherloc (09022015). Collection method: clinical testing. Allele origin: germline.

Breakthrough Genomics
Classification: Likely benign. Review status: criteria provided, single submitter. Criteria: ACMG Guidelines, 2015. Collection method: not provided. Allele origin: germline. Inheritance: Autosomal recessive inheritance. Affected: yes.